The following is an entry in ClinVar:

ClinVar aggregate classification (germline): Benign. Review status: criteria provided, multiple submitters, no conflicts (2 of 4 stars). 3 submissions from 3 submitters: Benign (2). 1 of the submissions does not count toward it. Last evaluated 2026-01-27.

Conditions:
Isolated microphthalmia 5. Also called: Posterior Microphthalmia with Retinitis Pigmentosa, Foveoschisis, and Optic Disc Drusen. Identifiers: Orphanet 251279, MedGen C1970236, MONDO:0012605, OMIM 611040.

Allele frequency attached by ClinVar (database versions not stated): 1000 Genomes Project 0.00339; gnomAD exomes 0.00671; 1000 Genomes Project 30x 0.00375; gnomAD 0.00589 and 0.00598; ExAC 0.00660; TOPMed 0.00438; ESP Exome Variant Server 0.00531.

Submissions (3):

Labcorp Genetics (formerly Invitae), Labcorp
Classification: Benign for Isolated microphthalmia 5. Last evaluated: 2026-01-27. Review status: criteria provided, single submitter. Criteria: Invitae Variant Classification Sherloc (09022015). Collection method: clinical testing. Allele origin: germline.

CeGaT Center for Human Genetics Tuebingen
Classification: Benign. Last evaluated: 2023-02-01. Review status: criteria provided, single submitter. Criteria: CeGaT Center For Human Genetics Tuebingen Variant Classification Criteria Version 2. Collection method: clinical testing. Allele origin: germline. Affected: yes. Observed: 2 variant alleles.
Comment: C1QTNF5: BS1, BS2

SN ONGC Dept of Genetics and Molecular biology Vision Research Foundation
No classification provided. Review status: no classification provided. Collection method: not provided. Allele origin: not provided. Not counted in ClinVar's aggregate classification.

NM_031433.4(MFRP):c.975+18T>C

Genes: C1QTNF5 (C1q and TNF related 5; minus strand), MFRP (membrane frizzled-related protein; minus strand). Cytogenetic location: 11q23.3.
Variant type: single nucleotide variant.
Coding change: c.975+18T>C on transcript NM_031433.4 (MANE Select); 18 bases into the intron after coding-DNA position 975, T replaced by C.
Molecular consequence: intron variant.
Genome position (GRCh38, 1-based): chr11:119,344,297, A>G on the plus strand (T>C on the coding strand, the complement: MFRP is on the minus strand). VCF-style: chr11-119344297-A-G. GRCh37 (hg19) VCF-style: chr11-119215007-A-G.
Other names: c.-1662+18T>C (NM_015645.5).
Identifiers: ClinVar variation 68071 (VCV000068071.33), dbSNP rs185451482, ClinGen allele CA017146.
Genomic context (GRCh38, chr11:119,344,297, plus strand): 5'-CCATTCCCATTACACTAACTTGGGGATCAGGTGCTTCCGTGTGTGCCCCTCCCGTTCTGC[A>G]TGGAGCACTGTGCTTACCAGTTGGTGAGGGTACTGCTGCAGGTAGCTGGGAGTAGAGAAA-3'